The following is an entry in ClinVar:

NM_001357.5(DHX9):c.3253G>C (p.Asp1085His)

Gene: DHX9 (DExH-box helicase 9; plus strand). Cytogenetic location: 1q25.3.
Variant type: single nucleotide variant.
Coding change: c.3253G>C on transcript NM_001357.5 (MANE Select); coding-DNA position 3253, G replaced by C.
Protein change: p.Asp1085His; replaces aspartic acid 1085 with histidine.
Molecular consequence: missense variant. On other transcripts: non-coding transcript variant (1).
Genome position (GRCh38, 1-based): chr1:182,883,628, G>C. VCF-style: chr1-182883628-G-C. GRCh37 (hg19) VCF-style: chr1-182852763-G-C.
Other names: short protein forms D1085H.
Identifiers: ClinVar variation 3602163 (VCV003602163.1).

ClinVar aggregate classification (germline): Uncertain significance (1 of 4 stars; one submission).

Submission:

GeneDx
Classification: Uncertain significance. Last evaluated: 2024-08-02. Review status: criteria provided, single submitter. Criteria: GeneDx Variant Classification Process June 2021. Collection method: clinical testing. Allele origin: germline. Affected: yes.
Comment: Not observed at significant frequency in large population cohorts (gnomAD); In silico analysis supports that this missense variant has a deleterious effect on protein structure/function; Has not been previously published as pathogenic or benign to our knowledge